The following is an entry in ClinVar:

NM_025136.4(OPA3):c.*4672G>A

Genes: OPA3-RTN2 (OPA3-RTN2 readthrough; minus strand), OPA3 (outer mitochondrial membrane lipid metabolism regulator OPA3; minus strand). Cytogenetic location: 19q13.32.
Variant type: single nucleotide variant.
Coding change: c.*4672G>A on transcript NM_025136.4 (MANE Select); 4672 bases downstream of the stop codon, G replaced by A.
Molecular consequence: 3 prime UTR variant. On other transcripts: intron variant (1).
Genome position (GRCh38, 1-based): chr19:45,548,842, C>T on the plus strand (G>A on the coding strand, the complement: OPA3 is on the minus strand). VCF-style: chr19-45548842-C-T. GRCh37 (hg19) VCF-style: chr19-46052100-C-T.
Other names: c.143-19386G>A (NM_001017989.3).
Identifiers: ClinVar variation 329602 (VCV000329602.6), dbSNP rs11669246, ClinGen allele CA10652109.

ClinVar aggregate classification (germline): Benign. Review status: criteria provided, multiple submitters, no conflicts (2 of 4 stars). 3 submissions from 2 submitters: Benign (3). Last evaluated 2018-01-13.

Conditions:
Optic atrophy 3 (OPA3). Also called: OPTIC ATROPHY 3, AUTOSOMAL DOMINANT; Optic atrophy, cataract, and neurologic disorder; Optic atrophy 3 with cataract. Identifiers: Orphanet 67036, MedGen C1833809, MONDO:0008133, OMIM 165300.
3-Methylglutaconic aciduria type 3 (MGCA3). Also called: OPA3, AUTOSOMAL RECESSIVE; OPTIC ATROPHY 3, AUTOSOMAL RECESSIVE; Costeff Syndrome; OPA3-Related 3-Methylglutaconic Aciduria. Identifiers: Orphanet 67047, MedGen C0574084, MONDO:0009787, OMIM 258501.

Allele frequency attached by ClinVar (database versions not stated): gnomAD 0.11223 and 0.11252; gnomAD exomes 0.13787; 1000 Genomes Project 30x 0.09213; 1000 Genomes Project 0.09425; TOPMed 0.10810.

Submissions (3):

Illumina Laboratory Services, Illumina
Classification: Benign for Optic atrophy 3. Last evaluated: 2018-01-13. Review status: criteria provided, single submitter. Criteria: ICSL Variant Classification Criteria 13 December 2019. Collection method: clinical testing. Allele origin: germline.
Comment: This variant was observed in the ICSL laboratory as part of a predisposition screen in an ostensibly healthy population. It had not been previously curated by ICSL or reported in the Human Gene Mutation Database (HGMD: prior to June 1st, 2018), and was therefore a candidate for classification through an automated scoring system. Utilizing variant allele frequency, disease prevalence and penetrance estimates, and inheritance mode, an automated score was calculated to assess if this variant is too frequent to cause the disease. Based on the score and internal cut-off values, a variant classified as benign is not then subjected to further curation. The score for this variant resulted in a classification of benign for this disease.

Illumina Laboratory Services, Illumina
Classification: Benign for 3-Methylglutaconic aciduria type 3. Last evaluated: 2018-01-13. Review status: criteria provided, single submitter. Criteria: ICSL Variant Classification Criteria 13 December 2019. Collection method: clinical testing. Allele origin: germline.
Comment: the same text as in the submission from Illumina Laboratory Services, Illumina above.

Breakthrough Genomics
Classification: Benign. Review status: criteria provided, single submitter. Criteria: ACMG Guidelines, 2015. Collection method: not provided. Allele origin: germline. Inheritance: Autosomal recessive inheritance. Affected: yes.